The following is an entry in ClinVar:

ClinVar aggregate classification (germline): Uncertain significance (1 of 4 stars; one submission).

Conditions:
Hypercholesterolemia, autosomal dominant, 3 (FHCL3). Also called: Familial Hypercholesterolemia, Autosomal Dominant, 3; PCSK9-Related Familial Hypercholesterolemia, Autosomal Dominant; Familial hypercholesterolemia 3. Identifiers: MedGen C1863551, MONDO:0011369, OMIM 603776.

gnomAD v4.1: 7 of 1,608,478 alleles (0.00044%); highest among the groups gnomAD compares: East Asian, 0.016%; 1 homozygote.

Submission:

Labcorp Genetics (formerly Invitae), Labcorp
Classification: Uncertain significance for Hypercholesterolemia, autosomal dominant, 3. Last evaluated: 2025-06-06. Review status: criteria provided, single submitter. Criteria: Invitae Variant Classification Sherloc (09022015). Collection method: clinical testing. Allele origin: germline.
Comment: This sequence change replaces histidine, which is basic and polar, with tyrosine, which is neutral and polar, at codon 565 of the PCSK9 protein (p.His565Tyr). This variant is not present in population databases (gnomAD no frequency). This variant has not been reported in the literature in individuals affected with PCSK9-related conditions. Invitae Evidence Modeling of protein sequence and biophysical properties (such as structural, functional, and spatial information, amino acid conservation, physicochemical variation, residue mobility, and thermodynamic stability) indicates that this missense variant is not expected to disrupt PCSK9 protein function with a negative predictive value of 80%. In summary, the available evidence is currently insufficient to determine the role of this variant in disease. Therefore, it has been classified as a Variant of Uncertain Significance.

NM_174936.4(PCSK9):c.1693C>T (p.His565Tyr)

Gene: PCSK9 (proprotein convertase subtilisin/kexin type 9; plus strand). Cytogenetic location: 1p32.3.
Variant type: single nucleotide variant.
Coding change: c.1693C>T on transcript NM_174936.4 (MANE Select); coding-DNA position 1693, C replaced by T.
Protein change: p.His565Tyr; replaces histidine 565 with tyrosine.
Molecular consequence: missense variant. On other transcripts: non-coding transcript variant (8).
Genome position (GRCh38, 1-based): chr1:55,061,386, C>T. VCF-style: chr1-55061386-C-T. GRCh37 (hg19) VCF-style: chr1-55527059-C-T.
Other names: c.1735C>T, p.His579Tyr (NM_001407241.1); c.1696C>T, p.His566Tyr (NM_001407242.1); c.1636C>T, p.His546Tyr (NM_001407243.1); c.1519C>T, p.His507Tyr (NM_001407244.1); c.1501C>T, p.His501Tyr (NM_001407245.1); c.1318C>T, p.His440Tyr (NM_001407246.1); c.1192C>T, p.His398Tyr (NM_001407247.1); c.1816C>T, p.His606Tyr (NM_001407240.1); short protein forms H507Y, H579Y, H546Y, H440Y, H501Y, H565Y, H566Y, H398Y.
Identifiers: ClinVar variation 4750942 (VCV004750942.1).